The following is an entry in ClinVar:

NM_006019.4(TCIRG1):c.1306-2A>T

Gene: TCIRG1 (T cell immune regulator 1, ATPase H+ transporting V0 subunit a3; plus strand). Cytogenetic location: 11q13.2.
Variant type: single nucleotide variant.
Coding change: c.1306-2A>T on transcript NM_006019.4 (MANE Select); the canonical splice acceptor site of the intron before coding-DNA position 1306, A replaced by T.
Molecular consequence: splice acceptor variant.
Genome position (GRCh38, 1-based): chr11:68,047,645, A>T. VCF-style: chr11-68047645-A-T. GRCh37 (hg19) VCF-style: chr11-67815112-A-T.
Other names: c.412-2A>T (NM_001351059.2); c.658-2A>T (NM_006053.4).
Identifiers: ClinVar variation 966975 (VCV000966975.9), dbSNP rs1855570841, ClinGen allele CA381583320.
Genomic context (GRCh38, chr11:68,047,645, plus strand): 5'-GCTGGGGTCCTGATGAGGGTAGCAGGGCCAGGCAGCCCCTCACCACACCACTGCCCCCCC[A>T]GATCTGGCAGACTTTCTTCAGGGGCCGCTACCTGCTCCTGCTTATGGGCCTGTTCTCCAT-3'

ClinVar aggregate classification (germline): Likely pathogenic. Review status: criteria provided, multiple submitters, no conflicts (2 of 4 stars). 2 submissions from 2 submitters: Likely pathogenic (2). Last evaluated 2023-10-14.

Conditions:
Autosomal recessive osteopetrosis 1. Also called: ALBERS-SCHONBERG DISEASE, AUTOSOMAL RECESSIVE; TCIRG1-Related Autosomal Recessive Osteopetrosis; TCIRG1-Related Osteopetrosis. Identifiers: Orphanet 667, MedGen C1850127, MONDO:0009815, OMIM 259700.

Allele frequency attached by ClinVar (database versions not stated): gnomAD exomes below 0.00001.

Submissions (2):

Baylor Genetics
Classification: Likely pathogenic for Autosomal recessive osteopetrosis 1. Last evaluated: 2023-10-14. Review status: criteria provided, single submitter. Criteria: ACMG Guidelines, 2015. Collection method: clinical testing. Allele origin: unknown.

Labcorp Genetics (formerly Invitae), Labcorp
Classification: Likely pathogenic. Last evaluated: 2019-10-20. Review status: criteria provided, single submitter. Criteria: Invitae Variant Classification Sherloc (09022015). Collection method: clinical testing. Allele origin: germline.
Comment: In summary, the currently available evidence indicates that the variant is pathogenic, but additional data are needed to prove that conclusively. Therefore, this variant has been classified as Likely Pathogenic. Donor and acceptor splice site variants typically lead to a loss of protein function (PMID: 16199547), and loss-of-function variants in TCIRG1 are known to be pathogenic (PMID: 10888887, 10942435, 11532986, 19448635). Algorithms developed to predict the effect of sequence changes on RNA splicing suggest that this variant may disrupt the consensus splice site, but this prediction has not been confirmed by published transcriptional studies. This variant has not been reported in the literature in individuals with TCIRG1-related conditions. This variant is not present in population databases (ExAC no frequency). This sequence change affects an acceptor splice site in intron 11 of the TCIRG1 gene. It is expected to disrupt RNA splicing and likely results in an absent or disrupted protein product.

Literature cited by the submitters: PubMed 16199547 (cited by Labcorp Genetics (formerly Invitae), Labcorp); PubMed 10888887 (cited by Labcorp Genetics (formerly Invitae), Labcorp); PubMed 10942435 (cited by Labcorp Genetics (formerly Invitae), Labcorp); PubMed 11532986 (cited by Labcorp Genetics (formerly Invitae), Labcorp); PubMed 19448635 (cited by Labcorp Genetics (formerly Invitae), Labcorp).